The following is an entry in ClinVar:

NM_001184880.2(PCDH19):c.2646C>G (p.Tyr882Ter)

Gene: PCDH19 (protocadherin 19; minus strand). Cytogenetic location: Xq22.1.
Variant type: single nucleotide variant.
Coding change: c.2646C>G on transcript NM_001184880.2 (MANE Select); coding-DNA position 2646, C replaced by G.
Protein change: p.Tyr882Ter; replaces tyrosine 882 with a stop codon.
Molecular consequence: nonsense.
Genome position (GRCh38, 1-based): chrX:100,350,675, G>C on the plus strand (C>G on the coding strand, the complement: PCDH19 is on the minus strand). VCF-style: chrX-100350675-G-C. GRCh37 (hg19) VCF-style: chrX-99605673-G-C.
Other names: c.2505C>G, p.Tyr835Ter (NM_001105243.2, NM_020766.3); short protein forms Y835*, Y882*.
Identifiers: ClinVar variation 1392777 (VCV001392777.7), dbSNP rs770935301, ClinGen allele CA414001081.

ClinVar aggregate classification (germline): Pathogenic/Likely pathogenic. Review status: criteria provided, multiple submitters, no conflicts (2 of 4 stars). 2 submissions from 2 submitters: Pathogenic (1); Likely pathogenic (1). Last evaluated 2020-11-11.

Conditions:
Developmental and epileptic encephalopathy, 9 (DEE9). Also called: Early infantile epileptic encephalopathy 9; JUBERG-HELLMAN SYNDROME; PCDH19-Related X-Linked Female-Limited Epilepsy with Mental Retardation; EPILEPSY, FEMALE-RESTRICTED, WITH MENTAL RETARDATION. Identifiers: Orphanet 101039, Orphanet 2076, MedGen C1848137, MONDO:0010246, OMIM 300088. Disease mechanism: loss of function.

Submissions (2):

Labcorp Genetics (formerly Invitae), Labcorp
Classification: Pathogenic for Developmental and epileptic encephalopathy, 9. Last evaluated: 2020-11-11. Review status: criteria provided, single submitter. Criteria: Invitae Variant Classification Sherloc (09022015). Collection method: clinical testing. Allele origin: germline.
Comment: This sequence change creates a premature translational stop signal (p.Tyr882*) in the PCDH19 gene. It is expected to result in an absent or disrupted protein product. Loss-of-function variants in PCDH19 are known to be pathogenic (PMID: 21053371). This variant is not present in population databases (ExAC no frequency). This variant has not been reported in the literature in individuals with PCDH19-related conditions. Algorithms developed to predict the effect of sequence changes on RNA splicing suggest that this variant may create or strengthen a splice site, but this prediction has not been confirmed by published transcriptional studies. For these reasons, this variant has been classified as Pathogenic.

Neuberg Centre For Genomic Medicine, NCGM
Classification: Likely pathogenic for Developmental and epileptic encephalopathy, 9. Review status: criteria provided, single submitter. Criteria: ACMG Guidelines, 2015. Collection method: clinical testing. Allele origin: germline. Inheritance: X-linked inheritance. Affected: yes.
Comment: The stop gained variant c.2646C>G (p.Tyr882Ter) in the PCDH19 gene has not been reported previously as a pathogenic variant nor as a benign variant, to our knowledge. The variant is absent in the gnomAD Exomes. It has been submitted to ClinVar as Pathogenic. However, literature evidence and the functional impact of the variant are not available. This variant is predicted to cause a loss of normal protein function through protein truncation. Loss of function variants has been previously reported to be disease causing (Liu et al., 2017). For these reasons, this variant has been classified as Likely Pathogenic.

Literature cited by the submitters: PubMed 21053371 (cited by Labcorp Genetics (formerly Invitae), Labcorp).